The following is an entry in ClinVar:

ClinVar aggregate classification (germline): Uncertain significance (1 of 4 stars; one submission).

Allele frequency attached by ClinVar (database versions not stated): gnomAD exomes 0.00002.
gnomAD v4.1: 15 of 1,613,970 alleles (0.00093%); highest among the groups gnomAD compares: Non-Finnish European, 0.0013%; no homozygotes.

Submission:

GeneDx
Classification: Uncertain significance. Last evaluated: 2019-02-13. Review status: criteria provided, single submitter. Criteria: GeneDx Variant Classification Process June 2021. Collection method: clinical testing. Allele origin: germline. Affected: yes.
Comment: Not observed in large population cohorts (Lek et al., 2016); In silico analysis, which includes protein predictors and evolutionary conservation, supports that this variant does not alter protein structure/function; Has not been previously published as pathogenic or benign to our knowledge

NM_001080517.3(SETD5):c.4279C>G (p.Leu1427Val)

Gene: SETD5 (SET domain containing 5; plus strand). Cytogenetic location: 3p25.3.
Variant type: single nucleotide variant.
Coding change: c.4279C>G on transcript NM_001080517.3 (MANE Select); coding-DNA position 4279, C replaced by G.
Protein change: p.Leu1427Val; replaces leucine 1427 with valine.
Molecular consequence: missense variant.
Genome position (GRCh38, 1-based): chr3:9,476,041, C>G. VCF-style: chr3-9476041-C-G. GRCh37 (hg19) VCF-style: chr3-9517725-C-G.
Other names: c.3985C>G, p.Leu1329Val (NM_001292043.2, NM_001349451.2); short protein forms L1329V, L1427V.
Identifiers: ClinVar variation 1305610 (VCV001305610.2), dbSNP rs2045826504, ClinGen allele CA351695505.